The following is an entry in ClinVar:

NM_000169.3(GLA):c.786G>A (p.Trp262Ter)

Genes: GLA (galactosidase alpha; minus strand), RPL36A-HNRNPH2 (RPL36A-HNRNPH2 readthrough; plus strand). Cytogenetic location: Xq22.1.
Variant type: single nucleotide variant.
Coding change: c.786G>A on transcript NM_000169.3 (MANE Select); coding-DNA position 786, G replaced by A.
Protein change: p.Trp262Ter; replaces tryptophan 262 with a stop codon.
Molecular consequence: nonsense. On other transcripts: non-coding transcript variant (3), intron variant (2).
Genome position (GRCh38, 1-based): chrX:101,398,800, C>T on the plus strand (G>A on the coding strand, the complement: GLA is on the minus strand). VCF-style: chrX-101398800-C-T. GRCh37 (hg19) VCF-style: chrX-100653788-C-T.
Other names: c.909G>A, p.Trp303Ter (NM_001406747.1); c.786G>A, p.Trp262Ter (NM_001406748.1); c.300+3343C>T (NM_001199973.2); c.177+6978C>T (NM_001199974.2); short protein forms W262*, W303*.
Identifiers: ClinVar variation 4974924 (VCV004974924.1).
Genomic context (GRCh38, chrX:101,398,800, plus strand): 5'-CAAGCCTACCGCAGGGTCTTGAACAAGGAGGGCTCAAGTTTTTACCATATCTGGGTCATT[C>T]CAACCCCCTGGTCCAGCAACATCAACAATTCTCTCCTGGTTAAAAGATGTCCAGTCCAAG-3'

ClinVar aggregate classification (germline): Pathogenic (1 of 4 stars; one submission).

Conditions:
Fabry disease. Also called: Fabry's disease; ALPHA-GALACTOSIDASE A DEFICIENCY; ANDERSON-FABRY DISEASE; CERAMIDE TRIHEXOSIDASE DEFICIENCY; GLA DEFICIENCY; HEREDITARY DYSTOPIC LIPIDOSIS. Identifiers: Orphanet 324, MedGen C0002986, MONDO:0010526, OMIM 301500, HP:0001071. Disease mechanism: Fabry disease is due to inactivating mutations in the X-linked GLA gene resulting in deficiency of the enzyme Alpha Galactosidase-A., loss of function.

Submission:

Genomenon, Inc
Classification: Pathogenic for Fabry disease. Last evaluated: 2026-09-08. Review status: criteria provided, single submitter. Criteria: Genomenon Sequence Variant Interpretation Standards - Updated. Collection method: curation. Allele origin: germline. Affected: yes.
Comment: GLA p.Trp262Ter (c.786G>A) is a nonsense variant that introduces a premature stop codon at amino acid position 262 and is predicted to result in a truncated or absent protein product. This variant has been observed in at least one proband with clinical features consistent with Fabry disease (PMID:28749998). It is absent or not present at a significant frequency in gnomAD. In conclusion, we classify GLA p.Trp262Ter (c.786G>A) as a pathogenic variant.

Literature cited by the submitters: PubMed 28749998.